The following is an entry in ClinVar:

ClinVar aggregate classification (germline): Uncertain significance (1 of 4 stars; one submission).

Conditions:
Tuberous sclerosis 1 (TSC1). Identifiers: Orphanet 805, MedGen C1854465, MONDO:0008612, OMIM 191100.

Submission:

Labcorp Genetics (formerly Invitae), Labcorp
Classification: Uncertain significance for Tuberous sclerosis 1. Last evaluated: 2017-11-27. Review status: criteria provided, single submitter. Criteria: Invitae Variant Classification Sherloc (09022015). Collection method: clinical testing. Allele origin: germline.
Comment: This sequence change replaces glutamic acid with valine at codon 1069 of the TSC1 protein (p.Glu1069Val). The glutamic acid residue is moderately conserved and there is a moderate physicochemical difference between glutamic acid and valine. This variant is not present in population databases (ExAC no frequency). This variant has not been reported in the literature in individuals with TSC1-related disease. Algorithms developed to predict the effect of missense changes on protein structure and function do not agree on the potential impact of this missense change (SIFT: "Tolerated"; PolyPhen-2: "Possibly Damaging"; Align-GVGD: "Class C0"). In summary, the available evidence is currently insufficient to determine the role of this variant in disease. Therefore, it has been classified as a Variant of Uncertain Significance.

NM_000368.5(TSC1):c.3206A>T (p.Glu1069Val)

Gene: TSC1 (TSC complex subunit 1; minus strand). Cytogenetic location: 9q34.13.
Variant type: single nucleotide variant.
Coding change: c.3206A>T on transcript NM_000368.5 (MANE Select); coding-DNA position 3206, A replaced by T.
Protein change: p.Glu1069Val; replaces glutamic acid 1069 with valine.
Molecular consequence: missense variant.
Genome position (GRCh38, 1-based): chr9:132,896,524, T>A on the plus strand (A>T on the coding strand, the complement: TSC1 is on the minus strand). VCF-style: chr9-132896524-T-A. GRCh37 (hg19) VCF-style: chr9-135771911-T-A.
Other names: c.3203A>T, p.Glu1068Val (NM_001162426.2); c.3053A>T, p.Glu1018Val (NM_001162427.2); c.2843A>T, p.Glu948Val (NM_001362177.2); short protein forms E1069V, E1018V, E1068V, E948V.
Identifiers: ClinVar variation 534406 (VCV000534406.8), dbSNP rs1554812780, ClinGen allele CA16044438.